The following is an entry in ClinVar:

ClinVar aggregate classification (germline): Uncertain significance. Review status: criteria provided, multiple submitters, no conflicts (2 of 4 stars). 4 submissions from 4 submitters: Uncertain significance (4). Last evaluated 2025-02-10.

Conditions:
Inborn genetic diseases. Identifiers: MedGen C0950123, MeSH D030342.
Familial cold autoinflammatory syndrome 2 (FCAS2). Identifiers: Orphanet 247868, MedGen C2673198, MONDO:0012724, OMIM 611762.

Allele frequency attached by ClinVar (database versions not stated): ExAC 0.00001; gnomAD exomes 0.00001 and 0.00012; gnomAD 0.00002.
gnomAD v4.1: 166 of 1,614,036 alleles (0.01%); highest among the groups gnomAD compares: Non-Finnish European, 0.014%; no homozygotes.

Submissions (4):

Labcorp Genetics (formerly Invitae), Labcorp
Classification: Uncertain significance for Familial cold autoinflammatory syndrome 2. Last evaluated: 2025-02-10. Review status: criteria provided, single submitter. Criteria: Invitae Variant Classification Sherloc (09022015). Collection method: clinical testing. Allele origin: germline.
Comment: This sequence change replaces methionine, which is neutral and non-polar, with arginine, which is basic and polar, at codon 788 of the NLRP12 protein (p.Met788Arg). This variant is present in population databases (rs752414417, gnomAD 0.004%). This variant has not been reported in the literature in individuals affected with NLRP12-related conditions. ClinVar contains an entry for this variant (Variation ID: 1018670). An algorithm developed to predict the effect of missense changes on protein structure and function outputs the following: PolyPhen-2: "Benign". The arginine amino acid residue is found in multiple mammalian species, which suggests that this missense change does not adversely affect protein function. In summary, the available evidence is currently insufficient to determine the role of this variant in disease. Therefore, it has been classified as a Variant of Uncertain Significance.

ARUP Laboratories, Molecular Genetics and Genomics, ARUP Laboratories
Classification: Uncertain significance for Familial cold autoinflammatory syndrome 2. Last evaluated: 2024-09-20. Review status: criteria provided, single submitter. Criteria: ARUP Molecular Germline Variant Investigation Process 2024. Collection method: clinical testing. Allele origin: germline.
Comment: The NLRP12 c.2363T>G; p.Met788Arg variant (rs752414417), to our knowledge, is not reported in the medical literature but is reported in ClinVar (Variation ID: 1018670). This variant is observed in the general population with an overall allele frequency of 0.001% (4/282812 alleles) in the Genome Aggregation Database (v2.1.1). Computational analyses predict that this variant is neutral (REVEL: 0.03). Due to limited information, the clinical significance of this variant is uncertain at this time.

GeneDx
Classification: Uncertain significance. Last evaluated: 2023-03-11. Review status: criteria provided, single submitter. Criteria: GeneDx Variant Classification Process June 2021. Collection method: clinical testing. Allele origin: germline. Affected: yes.
Comment: In silico analysis supports that this missense variant does not alter protein structure/function; Has not been previously published as pathogenic or benign to our knowledge

Ambry Genetics
Classification: Uncertain significance for Inborn genetic diseases. Last evaluated: 2022-04-13. Review status: criteria provided, single submitter. Criteria: Ambry Variant Classification Scheme 2023. Collection method: clinical testing. Allele origin: germline.

NM_144687.4(NLRP12):c.2363T>G (p.Met788Arg)

Gene: NLRP12 (NLR family pyrin domain containing 12; minus strand). Cytogenetic location: 19q13.42.
Variant type: single nucleotide variant.
Coding change: c.2363T>G on transcript NM_144687.4 (MANE Select); coding-DNA position 2363, T replaced by G.
Protein change: p.Met788Arg; replaces methionine 788 with arginine.
Molecular consequence: missense variant.
Genome position (GRCh38, 1-based): chr19:53,805,331, A>C on the plus strand (T>G on the coding strand, the complement: NLRP12 is on the minus strand). VCF-style: chr19-53805331-A-C. GRCh37 (hg19) VCF-style: chr19-54308585-A-C.
Other names: c.2366T>G, p.Met789Arg (NM_001277126.2); c.2363T>G, p.Met788Arg (NM_001277129.1); c.2363T>G (NM_144687.2); short protein forms M788R, M789R.
Identifiers: ClinVar variation 1018670 (VCV001018670.9), dbSNP rs752414417, ClinGen allele CA9639109.